The following is an entry in ClinVar:

NM_020533.3(MCOLN1):c.437G>A (p.Arg146Gln)

Gene: MCOLN1 (mucolipin TRP cation channel 1; plus strand). Cytogenetic location: 19p13.2.
Variant type: single nucleotide variant.
Coding change: c.437G>A on transcript NM_020533.3 (MANE Select); coding-DNA position 437, G replaced by A.
Protein change: p.Arg146Gln; replaces arginine 146 with glutamine.
Molecular consequence: missense variant.
Genome position (GRCh38, 1-based): chr19:7,526,792, G>A. VCF-style: chr19-7526792-G-A. GRCh37 (hg19) VCF-style: chr19-7591678-G-A.
Other names: c.437G>A (NM_020533.2); short protein forms R146Q.
Identifiers: ClinVar variation 2141999 (VCV002141999.2), dbSNP rs147878118, ClinGen allele CA9138739.

ClinVar aggregate classification (germline): Uncertain significance. Review status: criteria provided, multiple submitters, no conflicts (2 of 4 stars). 2 submissions from 2 submitters: Uncertain significance (2). Last evaluated 2021-08-26.

Conditions:
Inborn genetic diseases. Identifiers: MedGen C0950123, MeSH D030342.
Mucolipidosis type IV (ML4). Also called: ML IV. Identifiers: Orphanet 578, MedGen C0238286, MONDO:0009653, OMIM 252650.

Allele frequency attached by ClinVar (database versions not stated): gnomAD exomes 0.00001; TOPMed 0.00001; ExAC 0.00003; ESP Exome Variant Server 0.00015.
gnomAD v4.1: 20 of 1,614,144 alleles (0.0012%); highest among the groups gnomAD compares: Middle Eastern, 0.033%; no homozygotes.

Submissions (2):

Labcorp Genetics (formerly Invitae), Labcorp
Classification: Uncertain significance for Mucolipidosis type IV. Last evaluated: 2021-08-26. Review status: criteria provided, single submitter. Criteria: Invitae Variant Classification Sherloc (09022015). Collection method: clinical testing. Allele origin: germline.
Comment: This sequence change replaces arginine with glutamine at codon 146 of the MCOLN1 protein (p.Arg146Gln). The arginine residue is moderately conserved and there is a small physicochemical difference between arginine and glutamine. This variant is present in population databases (rs147878118, ExAC 0.01%). This variant has not been reported in the literature in individuals affected with MCOLN1-related conditions. Algorithms developed to predict the effect of missense changes on protein structure and function output the following: SIFT: "Tolerated"; PolyPhen-2: "Benign"; Align-GVGD: "Class C0". The glutamine amino acid residue is found in multiple mammalian species, which suggests that this missense change does not adversely affect protein function. Algorithms developed to predict the effect of sequence changes on RNA splicing suggest that this variant may create or strengthen a splice site. In summary, the available evidence is currently insufficient to determine the role of this variant in disease. Therefore, it has been classified as a Variant of Uncertain Significance.

Ambry Genetics
Classification: Uncertain significance for Inborn genetic diseases. Last evaluated: 2021-03-30. Review status: criteria provided, single submitter. Criteria: Ambry Variant Classification Scheme 2023. Collection method: clinical testing. Allele origin: germline.